The following is an entry in ClinVar:

ClinVar aggregate classification (germline): Uncertain significance (1 of 4 stars; one submission).

Conditions:
Brunner syndrome (BRNRS). Identifiers: Orphanet 3057, MedGen C0796275, MONDO:0010379, OMIM 300615.

Allele frequency attached by ClinVar (database versions not stated): ExAC 0.00002; gnomAD exomes 0.00002; TOPMed 0.00003; gnomAD 0.00006.
gnomAD v4.1: 16 of 1,209,222 alleles (0.0013%); highest among the groups gnomAD compares: Admixed American, 0.015%; no homozygotes.

Submission:

Labcorp Genetics (formerly Invitae), Labcorp
Classification: Uncertain significance for Brunner syndrome. Last evaluated: 2020-11-23. Review status: criteria provided, single submitter. Criteria: Invitae Variant Classification Sherloc (09022015). Collection method: clinical testing. Allele origin: germline.
Comment: This sequence change replaces valine with isoleucine at codon 37 of the MAOA protein (p.Val37Ile). The valine residue is weakly conserved and there is a small physicochemical difference between valine and isoleucine. This variant is present in population databases (rs779299641, ExAC 0.02%). In summary, the available evidence is currently insufficient to determine the role of this variant in disease. Therefore, it has been classified as a Variant of Uncertain Significance. Algorithms developed to predict the effect of missense changes on protein structure and function output the following: SIFT: "Tolerated"; PolyPhen-2: "Benign"; Align-GVGD: "Class C0". The isoleucine amino acid residue is found in multiple mammalian species, suggesting that this missense change does not adversely affect protein function. These predictions have not been confirmed by published functional studies and their clinical significance is uncertain. This variant has not been reported in the literature in individuals with MAOA-related conditions.

NM_000240.4(MAOA):c.109G>A (p.Val37Ile)

Gene: MAOA (monoamine oxidase A; plus strand). Cytogenetic location: Xp11.3.
Variant type: single nucleotide variant.
Coding change: c.109G>A on transcript NM_000240.4 (MANE Select); coding-DNA position 109, G replaced by A.
Protein change: p.Val37Ile; replaces valine 37 with isoleucine.
Molecular consequence: missense variant. On other transcripts: 5 prime UTR variant (1).
Genome position (GRCh38, 1-based): chrX:43,683,548, G>A. VCF-style: chrX-43683548-G-A. GRCh37 (hg19) VCF-style: chrX-43542796-G-A.
Other names: c.-291G>A (NM_001270458.2); short protein forms V37I.
Identifiers: ClinVar variation 1446772 (VCV001446772.8), dbSNP rs779299641, ClinGen allele CA10390721.